The following is an entry in ClinVar:

ClinVar aggregate classification (germline): Uncertain significance. Review status: criteria provided, multiple submitters, no conflicts (2 of 4 stars). 2 submissions from 2 submitters: Uncertain significance (2). Last evaluated 2024-12-26.

Allele frequency attached by ClinVar (database versions not stated): gnomAD exomes below 0.00001.
gnomAD v4.1: 2 of 1,612,682 alleles (0.00012%); highest among the groups gnomAD compares: Non-Finnish European, 0.00017%; no homozygotes.

Submissions (2):

Labcorp Genetics (formerly Invitae), Labcorp
Classification: Uncertain significance. Last evaluated: 2024-12-26. Review status: criteria provided, single submitter. Criteria: Invitae Variant Classification Sherloc (09022015). Collection method: clinical testing. Allele origin: germline.
Comment: This sequence change replaces proline, which is neutral and non-polar, with leucine, which is neutral and non-polar, at codon 735 of the LZTR1 protein (p.Pro735Leu). This variant is not present in population databases (gnomAD no frequency). This variant has not been reported in the literature in individuals affected with LZTR1-related conditions. ClinVar contains an entry for this variant (Variation ID: 1969481). Invitae Evidence Modeling of protein sequence and biophysical properties (such as structural, functional, and spatial information, amino acid conservation, physicochemical variation, residue mobility, and thermodynamic stability) indicates that this missense variant is not expected to disrupt LZTR1 protein function with a negative predictive value of 80%. In summary, the available evidence is currently insufficient to determine the role of this variant in disease. Therefore, it has been classified as a Variant of Uncertain Significance.

GeneDx
Classification: Uncertain significance. Last evaluated: 2023-10-27. Review status: criteria provided, single submitter. Criteria: GeneDx Variant Classification Process June 2021. Collection method: clinical testing. Allele origin: germline. Affected: yes.
Comment: Not observed at significant frequency in large population cohorts (gnomAD); In silico analysis supports that this missense variant has a deleterious effect on protein structure/function; Has not been previously published as pathogenic or benign to our knowledge

NM_006767.4(LZTR1):c.2204C>T (p.Pro735Leu)

Gene: LZTR1 (leucine zipper like post translational regulator 1; plus strand). Cytogenetic location: 22q11.21.
Variant type: single nucleotide variant.
Coding change: c.2204C>T on transcript NM_006767.4 (MANE Select); coding-DNA position 2204, C replaced by T.
Protein change: p.Pro735Leu; replaces proline 735 with leucine.
Molecular consequence: missense variant.
Genome position (GRCh38, 1-based): chr22:20,996,097, C>T. VCF-style: chr22-20996097-C-T. GRCh37 (hg19) VCF-style: chr22-21350386-C-T.
Other names: c.2204C>T (NM_006767.3); short protein forms P735L.
Identifiers: ClinVar variation 1969481 (VCV001969481.6), dbSNP rs2518624736, ClinGen allele CA410780030.
Genomic context (GRCh38, chr22:20,996,097, plus strand): 5'-CCAGCAGGCAGGCCTTCGAGTCCATGCTGCGCTACATCTACTACGGCGAGGTCAACATGC[C>T]GCCCGAGGACTCGCTGCATCCTCACTCCCCAGTGAACTCCCAGGTCCCCACCAAGGGGTC-3'
Protein context (NP_006758.2, residues 725-745): RYIYYGEVNM[Pro735Leu]PEDSLYLFAA